The following is an entry in ClinVar:

NC_000012.11:g.(?_32945348)_(32949242_?)del

Gene: PKP2 (plakophilin 2; minus strand). Cytogenetic location: 12p11.21.
Variant type: Deletion.
Identifiers: ClinVar variation 1075515 (VCV001075515.1).

ClinVar aggregate classification (germline): Pathogenic (1 of 4 stars; one submission).

Conditions:
Arrhythmogenic right ventricular dysplasia 9 (ARVD9). Also called: ARRHYTHMOGENIC RIGHT VENTRICULAR DYSPLASIA, FAMILIAL, 9; Arrhythmogenic Right Ventricular Dysplasia/Cardiomyopathy 9. Identifiers: MedGen C1836906, MONDO:0012180, OMIM 609040.

Submission:

Labcorp Genetics (formerly Invitae), Labcorp
Classification: Pathogenic for Arrhythmogenic right ventricular dysplasia 9. Last evaluated: 2020-08-24. Review status: criteria provided, single submitter. Criteria: Invitae Variant Classification Sherloc (09022015). Collection method: clinical testing. Allele origin: germline.
Comment: This variant is a gross deletion of the genomic region encompassing exon(s) 12-14 of the PKP2 gene. The 5' boundary is likely confined to intron 11. The 3' end of this event is unknown as it extends through the termination codon beyond the assayed region for this gene and may encompass additional genes. While this deletion is not anticipated to result in nonsense mediated decay, it is expected to create a truncated protein product or disrupt mRNA translation. This variant has been observed in individual(s) with arrhythmogenic right ventricular cardiomyopathy (PMID: 29343803). The region of the PKP2 gene that includes exon(s) 12 has been determined to be clinically significant (Invitae). Therefore, deletions that encompass that region are likely to disrupt protein function and cause disease. For these reasons, this variant has been classified as Pathogenic.

Literature cited by the submitters: PubMed 29343803.